The following is an entry in ClinVar:

NM_000702.4(ATP1A2):c.1283G>A (p.Arg428His)

Gene: ATP1A2 (ATPase Na+/K+ transporting subunit alpha 2; plus strand). Cytogenetic location: 1q23.2.
Variant type: single nucleotide variant.
Coding change: c.1283G>A on transcript NM_000702.4 (MANE Select); coding-DNA position 1283, G replaced by A.
Protein change: p.Arg428His; replaces arginine 428 with histidine.
Molecular consequence: missense variant.
Genome position (GRCh38, 1-based): chr1:160,129,046, G>A. VCF-style: chr1-160129046-G-A. GRCh37 (hg19) VCF-style: chr1-160098836-G-A.
Other names: short protein forms R428H.
Identifiers: ClinVar variation 383264 (VCV000383264.48), dbSNP rs746478136, ClinGen allele CA1194432.

ClinVar aggregate classification (germline): Uncertain significance. Review status: criteria provided, multiple submitters, no conflicts (2 of 4 stars). 3 submissions from 3 submitters: Uncertain significance (3). Last evaluated 2025-02-24.

Conditions:
Familial hemiplegic migraine. Identifiers: MedGen C0338484, MONDO:0000700.

Allele frequency attached by ClinVar (database versions not stated): gnomAD exomes below 0.00001 and 0.00001; TOPMed below 0.00001; ExAC 0.00001; gnomAD 0.00001.
gnomAD v4.1: 12 of 1,612,526 alleles (0.00074%); highest among the groups gnomAD compares: African/African-American, 0.0013%; no homozygotes.

Submissions (3):

Labcorp Genetics (formerly Invitae), Labcorp
Classification: Uncertain significance for Familial hemiplegic migraine. Last evaluated: 2025-02-24. Review status: criteria provided, single submitter. Criteria: Invitae Variant Classification Sherloc (09022015). Collection method: clinical testing. Allele origin: germline.
Comment: This sequence change replaces arginine, which is basic and polar, with histidine, which is basic and polar, at codon 428 of the ATP1A2 protein (p.Arg428His). The frequency data for this variant in the population databases is considered unreliable, as metrics indicate poor data quality at this position in the gnomAD database. This variant has not been reported in the literature in individuals affected with ATP1A2-related conditions. ClinVar contains an entry for this variant (Variation ID: 383264). Invitae Evidence Modeling of protein sequence and biophysical properties (such as structural, functional, and spatial information, amino acid conservation, physicochemical variation, residue mobility, and thermodynamic stability) indicates that this missense variant is not expected to disrupt ATP1A2 protein function with a negative predictive value of 80%. In summary, the available evidence is currently insufficient to determine the role of this variant in disease. Therefore, it has been classified as a Variant of Uncertain Significance.

CeGaT Center for Human Genetics Tuebingen
Classification: Uncertain significance. Last evaluated: 2019-11-01. Review status: criteria provided, single submitter. Criteria: CeGaT Center For Human Genetics Tuebingen Variant Classification Criteria Version 2. Collection method: clinical testing. Allele origin: germline. Affected: yes. Observed: 1 variant allele.

GeneDx
Classification: Uncertain significance. Last evaluated: 2016-02-04. Review status: criteria provided, single submitter. Criteria: GeneDx Variant Classification (06012015). Collection method: clinical testing. Allele origin: germline. Affected: yes.
Comment: A variant of uncertain significance has been identified in the ATP1A2 gene. The R428H variant has not beenpublished as a pathogenic variant, nor has it been reported as a benign variant to our knowledge. It was not observedin approximately 6,500 individuals of European and African American ancestry in the NHLBI Exome SequencingProject, indicating it is not a common benign variant in these populations. This substitution occurs at a position thatis conserved across species. In silico analysis predicts this variant is probably damaging to the proteinstructure/function. However, the R428H variant is a conservative amino acid substitution, which is not likely toimpact secondary protein structure as these residues share similar properties. Therefore, based on the currentlyavailable information, it is unclear whether this variant is a pathogenic variant or a rare benign variant.